The following is an entry in ClinVar:

NM_002180.3(IGHMBP2):c.-2C>T

Gene: IGHMBP2 (immunoglobulin mu DNA binding protein 2; plus strand). Cytogenetic location: 11q13.3.
Variant type: single nucleotide variant.
Coding change: c.-2C>T on transcript NM_002180.3 (MANE Select); 2 bases upstream of the start codon, C replaced by T.
Molecular consequence: 5 prime UTR variant.
Genome position (GRCh38, 1-based): chr11:68,903,951, C>T. VCF-style: chr11-68903951-C-T. GRCh37 (hg19) VCF-style: chr11-68671419-C-T.
Identifiers: ClinVar variation 258555 (VCV000258555.24), dbSNP rs4930624, ClinGen allele CA6153158.

ClinVar aggregate classification (germline): Benign/Likely benign. Review status: criteria provided, multiple submitters, no conflicts (2 of 4 stars). 14 submissions from 14 submitters: Benign (11); Likely benign (1). 2 of the submissions do not count toward it. Last evaluated 2026-06-12.

Conditions:
Charcot-Marie-Tooth disease axonal type 2S. Also called: CHARCOT-MARIE-TOOTH DISEASE, AXONAL, AUTOSOMAL RECESSIVE, TYPE 2S; CHARCOT-MARIE-TOOTH NEUROPATHY, TYPE 2S. Identifiers: Orphanet 443073, MedGen C4015349, MONDO:0014511, OMIM 616155.
Charcot-Marie-Tooth disease. Also called: Charcot-Marie-Tooth Hereditary Neuropathy; Charcot-Marie-Tooth Neuropathy. Identifiers: Orphanet 166, MedGen C0007959, MONDO:0015626.
Autosomal recessive distal spinal muscular atrophy 1. Also called: HMN VI; NEURONOPATHY, SEVERE INFANTILE AXONAL, WITH RESPIRATORY FAILURE; NEURONOPATHY, DISTAL HEREDITARY MOTOR, HARDING TYPE VI; NEUROPATHY, DISTAL HEREDITARY MOTOR, AUTOSOMAL RECESSIVE 1; SEVERE INFANTILE AXONAL NEUROPATHY WITH RESPIRATORY FAILURE; SPINAL MUSCULAR ATROPHY, DIAPHRAGMATIC. Identifiers: Orphanet 98920, MedGen C1858517, MONDO:0011436, OMIM 604320.

Allele frequency attached by ClinVar (database versions not stated): 1000 Genomes Project 0.11601; 1000 Genomes Project 30x 0.11680; gnomAD 0.18241 and 0.18778; gnomAD exomes 0.18741 and 0.22595; TOPMed 0.18991; ESP Exome Variant Server 0.19535; ExAC 0.24807.
gnomAD v4.1: 347,602 of 1,569,878 alleles (22%); highest among the groups gnomAD compares: Non-Finnish European, 25%; 41,782 homozygotes.

Submissions (21):

Women's Health and Genetics/Laboratory Corporation of America, LabCorp
Classification: Benign. Last evaluated: 2026-06-12. Review status: criteria provided, single submitter. Criteria: LabCorp Variant Classification Summary - May 2015. Collection method: clinical testing. Allele origin: germline.

Blueprint Genetics
Classification: Likely benign. Last evaluated: 2024-11-27. Review status: criteria provided, single submitter. Criteria: ACMG Guidelines, 2015. Collection method: clinical testing. Allele origin: germline.

Genome-Nilou Lab
Classification: Benign for Charcot-Marie-Tooth disease axonal type 2S. Last evaluated: 2021-08-10. Review status: criteria provided, single submitter. Criteria: ACMG Guidelines, 2015. Collection method: clinical testing. Allele origin: germline. Affected: no.

Athena Diagnostics
Classification: Benign. Last evaluated: 2017-11-16. Review status: criteria provided, single submitter. Criteria: Athena Diagnostics Criteria. Collection method: clinical testing. Allele origin: germline.

Illumina Laboratory Services, Illumina
Classification: Benign for Autosomal recessive distal spinal muscular atrophy 1. Last evaluated: 2017-04-27. Review status: criteria provided, single submitter. Criteria: ICSL Variant Classification Criteria 13 December 2019. Collection method: clinical testing. Allele origin: germline.
Comment: This variant was observed as part of a predisposition screen in an ostensibly healthy population. A literature search was performed for the gene, cDNA change, and amino acid change (where applicable). No publications were found based on this search. Allele frequency data from public databases was too high to be consistent with this variant causing disease. Therefore, this variant is classified as benign.

Eurofins Ntd Llc (ga)
Classification: Benign. Last evaluated: 2016-04-29. Review status: criteria provided, single submitter. Criteria: EGL Classification Definitions 2015. Collection method: clinical testing. Allele origin: germline. Observed: 1 variant allele, 1 heterozygote.

Laboratory for Molecular Medicine, Mass General Brigham Personalized Medicine
Classification: Benign. Last evaluated: 2016-03-28. Review status: criteria provided, single submitter. Criteria: LMM Criteria. Collection method: clinical testing. Allele origin: germline.
Comment: Variant identified in a genome or exome case(s) and assessed due to predicted null impact of the variant or pathogenic assertions in the literature or databases. Disclaimer: This variant has not undergone full assessment. The following are preliminary notes: 25% of total chromosomes in ExAC

Mayo Clinic Laboratories, Mayo Clinic
Classification: Benign. Last evaluated: 2016-03-02. Review status: criteria provided, single submitter. Criteria: ACMG Guidelines, 2015. Collection method: clinical testing. Allele origin: germline. Observed: 886 variant alleles.

GeneDx
Classification: Benign. Last evaluated: 2015-03-03. Review status: criteria provided, single submitter. Criteria: GeneDx Variant Classification Process June 2021. Collection method: clinical testing. Allele origin: germline. Affected: yes.

Breakthrough Genomics
Classification: Benign. Review status: criteria provided, single submitter. Criteria: ACMG Guidelines, 2015. Collection method: not provided. Allele origin: germline. Inheritance: Autosomal recessive inheritance. Affected: yes.

Molecular Genetics Laboratory, London Health Sciences Centre
Classification: Benign for Charcot-Marie-Tooth disease. Review status: criteria provided, single submitter. Criteria: ACMG Guidelines, 2015. Collection method: clinical testing. Allele origin: germline. Affected: yes.

PreventionGenetics, part of Exact Sciences
Classification: Benign. Review status: criteria provided, single submitter. Criteria: ACMG Guidelines, 2015. Collection method: clinical testing. Allele origin: germline.

Clinical Genetics, Academic Medical Center
Classification: Benign. Review status: no assertion criteria provided. Collection method: clinical testing. Allele origin: germline. Affected: yes. Study: VKGL Data-share Consensus. Not counted in ClinVar's aggregate classification.

Diagnostic Laboratory, Department of Genetics, University Medical Center Groningen
Classification: Benign for Autosomal recessive distal spinal muscular atrophy 1. Review status: no assertion criteria provided. Collection method: clinical testing. Allele origin: germline. Affected: yes. Study: VKGL Data-share Consensus. Not counted in ClinVar's aggregate classification.

Dr. Peter K. Rogan Lab, Western University
No classification provided (evidence only). Condition: Clear cell carcinoma of kidney. Review status: no classification provided. Collection method: in vitro. Allele origin: not applicable. Functional consequence: retained intron. Not counted in ClinVar's aggregate classification.

Dr. Peter K. Rogan Lab, Western University
No classification provided (evidence only). Condition: Melanoma. Review status: no classification provided. Collection method: in vitro. Allele origin: not applicable. Functional consequence: retained intron. Not counted in ClinVar's aggregate classification.

Dr. Peter K. Rogan Lab, Western University
No classification provided (evidence only). Condition: Melanoma. Review status: no classification provided. Collection method: in vitro. Allele origin: not applicable. Functional consequence: retained intron. Not counted in ClinVar's aggregate classification.

Dr. Peter K. Rogan Lab, Western University
No classification provided (evidence only). Condition: Malignant lymphoma, large B-cell, diffuse. Review status: no classification provided. Collection method: in vitro. Allele origin: not applicable. Functional consequence: retained intron. Not counted in ClinVar's aggregate classification.

Dr. Peter K. Rogan Lab, Western University
No classification provided (evidence only). Condition: Uterine carcinosarcoma. Review status: no classification provided. Collection method: in vitro. Allele origin: not applicable. Functional consequence: retained intron. Not counted in ClinVar's aggregate classification.

Dr. Peter K. Rogan Lab, Western University
No classification provided (evidence only). Condition: Uterine carcinosarcoma. Review status: no classification provided. Collection method: in vitro. Allele origin: not applicable. Functional consequence: retained intron. Not counted in ClinVar's aggregate classification.

Dr. Peter K. Rogan Lab, Western University
No classification provided (evidence only). Condition: Uterine carcinosarcoma. Review status: no classification provided. Collection method: in vitro. Allele origin: not applicable. Functional consequence: retained intron. Not counted in ClinVar's aggregate classification.